The following is an entry in ClinVar:

NM_005908.4(MANBA):c.295A>G (p.Ile99Val)

Gene: MANBA (mannosidase beta; minus strand). Cytogenetic location: 4q24.
Variant type: single nucleotide variant.
Coding change: c.295A>G on transcript NM_005908.4 (MANE Select); coding-DNA position 295, A replaced by G.
Protein change: p.Ile99Val; replaces isoleucine 99 with valine.
Molecular consequence: missense variant.
Genome position (GRCh38, 1-based): chr4:102,723,945, T>C on the plus strand (A>G on the coding strand, the complement: MANBA is on the minus strand). VCF-style: chr4-102723945-T-C. GRCh37 (hg19) VCF-style: chr4-103645102-T-C.
Other names: short protein forms I99V.
Identifiers: ClinVar variation 2142291 (VCV002142291.1), dbSNP rs1212860175, ClinGen allele CA357958388.

ClinVar aggregate classification (germline): Uncertain significance (1 of 4 stars; one submission).

Conditions:
Beta-D-mannosidosis (MANSB). Also called: Beta-Mannosidosis; MANNOSIDOSIS, BETA A, LYSOSOMAL; BETA-MANNOSIDASE DEFICIENCY; LYSOSOMAL BETA-MANNOSIDASE DEFICIENCY. Identifiers: Orphanet 118, MedGen C4048196, MONDO:0009562, OMIM 248510.

Allele frequency attached by ClinVar (database versions not stated): gnomAD exomes 0.00003; gnomAD 0.00001.
gnomAD v4.1: 50 of 1,609,174 alleles (0.0031%); highest among the groups gnomAD compares: Middle Eastern, 0.016%; no homozygotes.

Submission:

Labcorp Genetics (formerly Invitae), Labcorp
Classification: Uncertain significance for Beta-D-mannosidosis. Last evaluated: 2022-08-20. Review status: criteria provided, single submitter. Criteria: Invitae Variant Classification Sherloc (09022015). Collection method: clinical testing. Allele origin: germline.
Comment: This sequence change replaces isoleucine, which is neutral and non-polar, with valine, which is neutral and non-polar, at codon 99 of the MANBA protein (p.Ile99Val). This variant is present in population databases (no rsID available, gnomAD 0.004%). This variant has not been reported in the literature in individuals affected with MANBA-related conditions. Algorithms developed to predict the effect of missense changes on protein structure and function output the following: SIFT: "Tolerated"; PolyPhen-2: "Benign"; Align-GVGD: "Class C0". The valine amino acid residue is found in multiple mammalian species, which suggests that this missense change does not adversely affect protein function. In summary, the available evidence is currently insufficient to determine the role of this variant in disease. Therefore, it has been classified as a Variant of Uncertain Significance.